The following is an entry in ClinVar:

NM_004104.5(FASN):c.5099G>C (p.Gly1700Ala)

Gene: FASN (fatty acid synthase; minus strand). Cytogenetic location: 17q25.3.
Variant type: single nucleotide variant.
Coding change: c.5099G>C on transcript NM_004104.5 (MANE Select); coding-DNA position 5099, G replaced by C.
Protein change: p.Gly1700Ala; replaces glycine 1700 with alanine.
Molecular consequence: missense variant.
Genome position (GRCh38, 1-based): chr17:82,083,891, C>G on the plus strand (G>C on the coding strand, the complement: FASN is on the minus strand). VCF-style: chr17-82083891-C-G. GRCh37 (hg19) VCF-style: chr17-80041767-C-G.
Other names: short protein forms G1700A.
Identifiers: ClinVar variation 2016035 (VCV002016035.4), dbSNP rs2509832321, ClinGen allele CA401540786.
Genomic context (GRCh38, chr17:82,083,891, plus strand): 5'-AAGCTGGTGCTGTCGAGCTGGGGGAACCTGGCCTGGAGGTACGCCCGCTTCTCAGCCGAC[C>G]CTGGTGAAGAGAGGAAGCGCGGCTGGTGAGCCAGGGCGGCGGGGCCAGGAGGGCAGCGGG-3'
Protein context (NP_004095.4, residues 1690-1710): SLGCRVFTTV[Gly1700Ala]SAEKRAYLQA

ClinVar aggregate classification (germline): Uncertain significance (1 of 4 stars; one submission).

Conditions:
Epileptic encephalopathy. Identifiers: MedGen C0543888, HP:0200134.

Submission:

Labcorp Genetics (formerly Invitae), Labcorp
Classification: Uncertain significance for Epileptic encephalopathy. Last evaluated: 2022-09-03. Review status: criteria provided, single submitter. Criteria: Invitae Variant Classification Sherloc (09022015). Collection method: clinical testing. Allele origin: germline.
Comment: This variant has not been reported in the literature in individuals affected with FASN-related conditions. Algorithms developed to predict the effect of missense changes on protein structure and function are either unavailable or do not agree on the potential impact of this missense change (SIFT: "Tolerated"; PolyPhen-2: "Probably Damaging"; Align-GVGD: "Class C0"). In summary, the available evidence is currently insufficient to determine the role of this variant in disease. Therefore, it has been classified as a Variant of Uncertain Significance. This variant is not present in population databases (gnomAD no frequency). This sequence change replaces glycine, which is neutral and non-polar, with alanine, which is neutral and non-polar, at codon 1700 of the FASN protein (p.Gly1700Ala).